The following is an entry in ClinVar:

ClinVar aggregate classification (germline): Uncertain significance (1 of 4 stars; one submission).

Submission:

CeGaT Center for Human Genetics Tuebingen
Classification: Uncertain significance. Last evaluated: 2025-10-01. Review status: criteria provided, single submitter. Criteria: CeGaT Center For Human Genetics Tuebingen Variant Classification Criteria Version 2. Collection method: clinical testing. Allele origin: germline. Affected: yes. Observed: 1 variant allele.
Comment: SHANK3: PM2

NM_001372044.2(SHANK3):c.2716G>A (p.Asp906Asn)

Gene: SHANK3 (SH3 and multiple ankyrin repeat domains 3; plus strand). Cytogenetic location: 22q13.33.
Variant type: single nucleotide variant.
Coding change: c.2716G>A on transcript NM_001372044.2 (MANE Select); coding-DNA position 2716, G replaced by A.
Protein change: p.Asp906Asn; replaces aspartic acid 906 with asparagine.
Molecular consequence: missense variant.
Genome position (GRCh38, 1-based): chr22:50,720,324, G>A. VCF-style: chr22-50720324-G-A. GRCh37 (hg19) VCF-style: chr22-51158752-G-A.
Other names: short protein forms D906N.
Identifiers: ClinVar variation 4534667 (VCV004534667.6).